The following is an entry in ClinVar:

NM_001197104.2(KMT2A):c.6451C>A (p.Pro2151Thr)

Gene: KMT2A (lysine methyltransferase 2A; plus strand). Cytogenetic location: 11q23.3.
Variant type: single nucleotide variant.
Coding change: c.6451C>A on transcript NM_001197104.2 (MANE Select); coding-DNA position 6451, C replaced by A.
Protein change: p.Pro2151Thr; replaces proline 2151 with threonine.
Molecular consequence: missense variant.
Genome position (GRCh38, 1-based): chr11:118,501,803, C>A. VCF-style: chr11-118501803-C-A. GRCh37 (hg19) VCF-style: chr11-118372518-C-A.
Other names: c.6541C>A, p.Pro2181Thr (NM_001412597.1); c.6442C>A, p.Pro2148Thr (NM_005933.4); short protein forms P2151T, P2148T, P2181T.
Identifiers: ClinVar variation 3674116 (VCV003674116.2).
Genomic context (GRCh38, chr11:118,501,803, plus strand): 5'-TCACAAACCTCTGGCTCCTGTTATTATCATGTCATCTCAAAGGTCCCCAGGATTCGAACA[C>A]CCAGTTATTCTCCAACACAGAGATCCCCTGGCTGTCGACCGTTGCCTTCTGCAGGTAAAA-3'
Protein context (NP_001184033.1, residues 2141-2161): VISKVPRIRT[Pro2151Thr]SYSPTQRSPG

ClinVar aggregate classification (germline): Uncertain significance (1 of 4 stars; one submission).

Submission:

Labcorp Genetics (formerly Invitae), Labcorp
Classification: Uncertain significance. Last evaluated: 2025-01-23. Review status: criteria provided, single submitter. Criteria: Invitae Variant Classification Sherloc (09022015). Collection method: clinical testing. Allele origin: germline.
Comment: This sequence change replaces proline, which is neutral and non-polar, with threonine, which is neutral and polar, at codon 2151 of the KMT2A protein (p.Pro2151Thr). This variant is not present in population databases (gnomAD no frequency). This variant has not been reported in the literature in individuals affected with KMT2A-related conditions. Invitae Evidence Modeling of protein sequence and biophysical properties (such as structural, functional, and spatial information, amino acid conservation, physicochemical variation, residue mobility, and thermodynamic stability) has been performed for this missense variant. However, the output from this modeling did not meet the statistical confidence thresholds required to predict the impact of this variant on KMT2A protein function. In summary, the available evidence is currently insufficient to determine the role of this variant in disease. Therefore, it has been classified as a Variant of Uncertain Significance.